The following is an entry in ClinVar:

ClinVar aggregate classification (germline): Uncertain significance (1 of 4 stars; one submission).

Conditions:
Familial adenomatous polyposis 1 (FAP1). Also called: FAMILIAL ADENOMATOUS POLYPOSIS 1, ATTENUATED; POLYPOSIS, ADENOMATOUS INTESTINAL. Identifiers: MedGen C2713442, MONDO:0021056, OMIM 175100. Disease mechanism: loss of function.

Submission:

Labcorp Genetics (formerly Invitae), Labcorp
Classification: Uncertain significance for Familial adenomatous polyposis 1. Last evaluated: 2025-11-09. Review status: criteria provided, single submitter. Criteria: Invitae Variant Classification Sherloc (09022015). Collection method: clinical testing. Allele origin: germline.
Comment: This sequence change replaces alanine, which is neutral and non-polar, with threonine, which is neutral and polar, at codon 1907 of the APC protein (p.Ala1907Thr). This variant is not present in population databases (gnomAD no frequency). This variant has not been reported in the literature in individuals affected with APC-related conditions. Invitae Evidence Modeling of protein sequence and biophysical properties (such as structural, functional, and spatial information, amino acid conservation, physicochemical variation, residue mobility, and thermodynamic stability) indicates that this missense variant is not expected to disrupt APC protein function with a negative predictive value of 95%. In summary, the available evidence is currently insufficient to determine the role of this variant in disease. Therefore, it has been classified as a Variant of Uncertain Significance.

NM_000038.6(APC):c.5719G>A (p.Ala1907Thr)

Gene: APC (APC regulator of Wnt signaling pathway; plus strand). Cytogenetic location: 5q22.2.
Variant type: single nucleotide variant.
Coding change: c.5719G>A on transcript NM_000038.6 (MANE Select); coding-DNA position 5719, G replaced by A.
Protein change: p.Ala1907Thr; replaces alanine 1907 with threonine.
Molecular consequence: missense variant. On other transcripts: non-coding transcript variant (2).
Genome position (GRCh38, 1-based): chr5:112,841,313, G>A. VCF-style: chr5-112841313-G-A. GRCh37 (hg19) VCF-style: chr5-112177010-G-A.
Other names: c.5773G>A, p.Ala1925Thr (NM_001407449.1, NM_001407447.1, NM_001407448.1 and 1 more transcripts); c.5719G>A, p.Ala1907Thr (NM_001407450.1, NM_001127510.3, NM_001354895.2); c.5698G>A, p.Ala1900Thr (NM_001407451.1); c.5689G>A, p.Ala1897Thr (NM_001407452.1); c.5803G>A, p.Ala1935Thr (NM_001407446.1); c.5542G>A, p.Ala1848Thr (NM_001407453.1, NM_001354901.2); c.5470G>A, p.Ala1824Thr (NM_001407454.1, NM_001407455.1, NM_001407456.1 and 1 more transcripts); c.5416G>A, p.Ala1806Thr (NM_001407458.1, NM_001407459.1, NM_001407460.1 and 1 more transcripts); and 11 more; short protein forms A1523T, A1624T, A1747T, A1778T, A1781T, A1806T, A1816T, A1824T.
Identifiers: ClinVar variation 4809293 (VCV004809293.1).